The following is an entry in ClinVar:

ClinVar aggregate classification (germline): Uncertain significance. Review status: criteria provided, multiple submitters, no conflicts (2 of 4 stars). 3 submissions from 3 submitters: Uncertain significance (2). 1 of the submissions does not count toward it. Last evaluated 2024-03-11.

Conditions:
WDR19-related disorder. Also called: WDR19-related disorders; WDR19-related condition. Identifiers: MedGen CN380161.
Asphyxiating thoracic dystrophy 5 (SRTD5). Also called: SHORT-RIB THORACIC DYSPLASIA 5 WITHOUT POLYDACTYLY; SHORT-RIB THORACIC DYSPLASIA 5 WITH OR WITHOUT POLYDACTYLY. Identifiers: Orphanet 474, MedGen C3280598, MONDO:0013717, OMIM 614376.
Senior-Loken syndrome 8 (SLSN8). Identifiers: Orphanet 3156, MedGen C4225376, MONDO:0014579, OMIM 616307.
Nephronophthisis 13 (NPHP13). Identifiers: Orphanet 655, MedGen C3280612, MONDO:0013718, OMIM 614377.
Cranioectodermal dysplasia 4 (CED4). Identifiers: Orphanet 1515, MedGen C3280616, MONDO:0013719, OMIM 614378.
Spermatogenic failure 72 (SPGF72). Identifiers: MedGen C5676980, MONDO:0030809, OMIM 619867.

Allele frequency attached by ClinVar (database versions not stated): TOPMed below 0.00001; gnomAD exomes below 0.00001.
gnomAD v4.1: 5 of 1,607,744 alleles (0.00031%); highest among the groups gnomAD compares: Non-Finnish European, 0.00042%; no homozygotes.

Submissions (3):

Fulgent Genetics
Classification: Uncertain significance for Asphyxiating thoracic dystrophy 5; Nephronophthisis 13; Cranioectodermal dysplasia 4; Senior-Loken syndrome 8; Spermatogenic failure 72. Last evaluated: 2024-03-11. Review status: criteria provided, single submitter. Criteria: ACMG Guidelines, 2015. Collection method: clinical testing. Allele origin: germline.

Labcorp Genetics (formerly Invitae), Labcorp
Classification: Uncertain significance for Senior-Loken syndrome 8; Asphyxiating thoracic dystrophy 5. Last evaluated: 2019-08-02. Review status: criteria provided, single submitter. Criteria: Invitae Variant Classification Sherloc (09022015). Collection method: clinical testing. Allele origin: germline.
Comment: This sequence change affects codon 493 of the WDR19 mRNA. It is a 'silent' change, meaning that it does not change the encoded amino acid sequence of the WDR19 protein. This variant is not present in population databases (ExAC no frequency). This variant has not been reported in the literature in individuals with WDR19-related conditions. Algorithms developed to predict the effect of sequence changes on RNA splicing suggest that this variant is not likely to affect RNA splicing, but this prediction has not been confirmed by published transcriptional studies. In summary, the available evidence is currently insufficient to determine the role of this variant in disease. Therefore, it has been classified as a Variant of Uncertain Significance.

PreventionGenetics, part of Exact Sciences
Classification: Likely benign for WDR19-related condition. Last evaluated: 2022-12-30. Review status: no assertion criteria provided. Collection method: clinical testing. Allele origin: germline. Not counted in ClinVar's aggregate classification.
Comment: This variant is classified as likely benign based on ACMG/AMP sequence variant interpretation guidelines (Richards et al. 2015 PMID: 25741868, with internal and published modifications).

NM_025132.4(WDR19):c.1479T>C (p.Asp493=)

Gene: WDR19 (WD repeat domain 19; plus strand). Cytogenetic location: 4p14.
Variant type: single nucleotide variant.
Coding change: c.1479T>C on transcript NM_025132.4 (MANE Select); coding-DNA position 1479, T replaced by C.
Protein change: p.Asp493=; no amino-acid change (aspartic acid 493 retained).
Molecular consequence: synonymous variant.
Genome position (GRCh38, 1-based): chr4:39,218,105, T>C. VCF-style: chr4-39218105-T-C. GRCh37 (hg19) VCF-style: chr4-39219725-T-C.
Other names: c.999T>C, p.Asp333= (NM_001317924.2).
Identifiers: ClinVar variation 956381 (VCV000956381.11), dbSNP rs1207013785, ClinGen allele CA438941303.